The following is an entry in ClinVar:

ClinVar aggregate classification (germline): Likely pathogenic (0 of 4 stars; one submission).

Submission:

Richard Lifton Laboratory, Yale University School of Medicine
Classification: Likely pathogenic. Review status: no assertion criteria provided. Collection method: not provided. Allele origin: somatic.
Comment: KCNJ5
ClinVar note: Converted during submission from probable-pathogenic to Likely pathogenic.

NM_000890.5(KCNJ5):c.451G>C (p.Gly151Arg)

Gene: KCNJ5 (potassium inwardly rectifying channel subfamily J member 5; plus strand). Cytogenetic location: 11q24.3.
Variant type: single nucleotide variant.
Coding change: c.451G>C on transcript NM_000890.5 (MANE Select); coding-DNA position 451, G replaced by C.
Protein change: p.Gly151Arg; replaces glycine 151 with arginine.
Molecular consequence: missense variant.
Genome position (GRCh38, 1-based): chr11:128,911,724, G>C. VCF-style: chr11-128911724-G-C. GRCh37 (hg19) VCF-style: chr11-128781619-G-C.
Other names: c.451G>C (LRG_333t1); c.451G>C, p.Gly151Arg (NM_001354169.2); short protein forms G151R.
Identifiers: ClinVar variation 91916 (VCV000091916.2), dbSNP rs386352319, ClinGen allele CA232153.